The following is an entry in ClinVar:

NM_138295.5(PKD1L1):c.2355C>T (p.Ser785=)

Gene: PKD1L1 (polycystin 1 like 1, transient receptor potential channel interacting; minus strand). Cytogenetic location: 7p12.3.
Variant type: single nucleotide variant.
Coding change: c.2355C>T on transcript NM_138295.5 (MANE Select); coding-DNA position 2355, C replaced by T.
Protein change: p.Ser785=; no amino-acid change (serine 785 retained).
Molecular consequence: synonymous variant.
Genome position (GRCh38, 1-based): chr7:47,893,976, G>A on the plus strand (C>T on the coding strand, the complement: PKD1L1 is on the minus strand). VCF-style: chr7-47893976-G-A. GRCh37 (hg19) VCF-style: chr7-47933573-G-A.
Identifiers: ClinVar variation 3029004 (VCV003029004.2), dbSNP rs761938671, ClinGen allele CA4253780.

ClinVar aggregate classification (germline): Likely benign (0 of 4 stars; one submission).

Conditions:
PKD1L1-related disorder. Also called: PKD1L1-related condition.

Allele frequency attached by ClinVar (database versions not stated): ExAC 0.00001; TOPMed 0.00001; gnomAD 0.00002; gnomAD exomes 0.00002.
gnomAD v4.1: 29 of 1,613,626 alleles (0.0018%); highest among the groups gnomAD compares: East Asian, 0.0022%; no homozygotes.

Submission:

PreventionGenetics, part of Exact Sciences
Classification: Likely benign for PKD1L1-related condition. Last evaluated: 2023-03-15. Review status: no assertion criteria provided. Collection method: clinical testing. Allele origin: germline.
Comment: This variant is classified as likely benign based on ACMG/AMP sequence variant interpretation guidelines (Richards et al. 2015 PMID: 25741868, with internal and published modifications).